The following is an entry in ClinVar:

NM_005045.4(RELN):c.592G>C (p.Asp198His)

Gene: RELN (reelin; minus strand). Cytogenetic location: 7q22.1.
Variant type: single nucleotide variant.
Coding change: c.592G>C on transcript NM_005045.4 (MANE Select); coding-DNA position 592, G replaced by C.
Protein change: p.Asp198His; replaces aspartic acid 198 with histidine.
Molecular consequence: missense variant.
Genome position (GRCh38, 1-based): chr7:103,749,490, C>G on the plus strand (G>C on the coding strand, the complement: RELN is on the minus strand). VCF-style: chr7-103749490-C-G. GRCh37 (hg19) VCF-style: chr7-103389937-C-G.
Other names: c.592G>C, p.Asp198His (NM_173054.3); short protein forms D198H.
Identifiers: ClinVar variation 2922915 (VCV002922915.3), dbSNP rs1160351268, ClinGen allele CA368930344.

ClinVar aggregate classification (germline): Uncertain significance (1 of 4 stars; one submission).

Conditions:
Norman-Roberts syndrome (LIS2). Also called: Lissencephaly 2 (Norman-Roberts type). Identifiers: Orphanet 89844, MedGen C0796089, MONDO:0009760, OMIM 257320.
Familial temporal lobe epilepsy 7. Identifiers: Orphanet 101046, MedGen C4225327, MONDO:0014639, OMIM 616436.

Submission:

Labcorp Genetics (formerly Invitae), Labcorp
Classification: Uncertain significance for Familial temporal lobe epilepsy 7; Norman-Roberts syndrome. Last evaluated: 2023-11-15. Review status: criteria provided, single submitter. Criteria: Invitae Variant Classification Sherloc (09022015). Collection method: clinical testing. Allele origin: germline.
Comment: This sequence change replaces aspartic acid, which is acidic and polar, with histidine, which is basic and polar, at codon 198 of the RELN protein (p.Asp198His). This variant is not present in population databases (gnomAD no frequency). This variant has not been reported in the literature in individuals affected with RELN-related conditions. Advanced modeling of protein sequence and biophysical properties (such as structural, functional, and spatial information, amino acid conservation, physicochemical variation, residue mobility, and thermodynamic stability) performed at Invitae indicates that this missense variant is not expected to disrupt RELN protein function with a negative predictive value of 80%. In summary, the available evidence is currently insufficient to determine the role of this variant in disease. Therefore, it has been classified as a Variant of Uncertain Significance.